The following is an entry in ClinVar:

ClinVar aggregate classification (germline): Uncertain significance (1 of 4 stars; one submission).

gnomAD v4.1: 1 of 1,607,340 alleles (0.000062%); highest among the groups gnomAD compares: Non-Finnish European, 0.000085%; no homozygotes.

Submission:

Women's Health and Genetics/Laboratory Corporation of America, LabCorp
Classification: Uncertain significance. Last evaluated: 2026-03-11. Review status: criteria provided, single submitter. Criteria: LabCorp Variant Classification Summary - May 2015. Collection method: clinical testing. Allele origin: germline.
Comment: Variant summary: AP1G1 c.544T>G (p.Leu182Val) results in a conservative amino acid change in the encoded protein sequence. Algorithms developed to predict the effect of missense changes on protein structure and function are either unavailable or do not agree on the potential impact of this missense change. The variant was absent in 249588 control chromosomes. The available data on variant occurrences in the general population are insufficient to allow any conclusion about variant significance. To our knowledge, no occurrence of c.544T>G in individuals affected with AP1G1-related conditions and no experimental evidence demonstrating its impact on protein function have been reported. No submitters have cited clinical-significance assessments for this variant to ClinVar. Based on the evidence outlined above, the variant was classified as uncertain significance.

NM_001128.6(AP1G1):c.544T>G (p.Leu182Val)

Gene: AP1G1 (adaptor related protein complex 1 subunit gamma 1; minus strand). Cytogenetic location: 16q22.2.
Variant type: single nucleotide variant.
Coding change: c.544T>G on transcript NM_001128.6 (MANE Select); coding-DNA position 544, T replaced by G.
Protein change: p.Leu182Val; replaces leucine 182 with valine.
Molecular consequence: missense variant.
Genome position (GRCh38, 1-based): chr16:71,771,177, A>C on the plus strand (T>G on the coding strand, the complement: AP1G1 is on the minus strand). VCF-style: chr16-71771177-A-C. GRCh37 (hg19) VCF-style: chr16-71805080-A-C.
Other names: c.544T>G, p.Leu182Val (NM_001030007.2); short protein forms L182V.
Identifiers: ClinVar variation 4847312 (VCV004847312.1).